The following is an entry in ClinVar:

ClinVar aggregate classification (germline): Conflicting classifications of pathogenicity. Review status: criteria provided, conflicting classifications (1 of 4 stars). 3 submissions from 3 submitters: Uncertain significance (2); Likely benign (1). Last evaluated 2025-08-11.

Conditions:
Autosomal dominant epilepsy with auditory features. Identifiers: Orphanet 101046, MedGen C1838062, MONDO:0010898.
Inborn genetic diseases. Identifiers: MedGen C0950123, MeSH D030342.
Epilepsy, familial temporal lobe, 1. Identifiers: Orphanet 101046, MedGen CN030884, MONDO:0700090, OMIM 600512.

Allele frequency attached by ClinVar (database versions not stated): gnomAD 0.00007 and 0.00006; gnomAD exomes 0.00007 and 0.00010; TOPMed 0.00008; ESP Exome Variant Server 0.00023; ExAC 0.00004.
gnomAD v4.1: 157 of 1,613,788 alleles (0.0097%); highest among the groups gnomAD compares: Non-Finnish European, 0.012%; no homozygotes.

Submissions (3):

Labcorp Genetics (formerly Invitae), Labcorp
Classification: Uncertain significance for Autosomal dominant epilepsy with auditory features. Last evaluated: 2025-08-11. Review status: criteria provided, single submitter. Criteria: Invitae Variant Classification Sherloc (09022015). Collection method: clinical testing. Allele origin: germline.
Comment: This sequence change replaces valine, which is neutral and non-polar, with isoleucine, which is neutral and non-polar, at codon 69 of the LGI1 protein (p.Val69Ile). This variant is present in population databases (rs147469708, gnomAD 0.01%). This variant has not been reported in the literature in individuals affected with LGI1-related conditions. ClinVar contains an entry for this variant (Variation ID: 573957). Invitae Evidence Modeling of protein sequence and biophysical properties (such as structural, functional, and spatial information, amino acid conservation, physicochemical variation, residue mobility, and thermodynamic stability) indicates that this missense variant is not expected to disrupt LGI1 protein function with a negative predictive value of 80%. In summary, the available evidence is currently insufficient to determine the role of this variant in disease. Therefore, it has been classified as a Variant of Uncertain Significance.

Ambry Genetics
Classification: Likely benign for Inborn genetic diseases. Last evaluated: 2021-12-17. Review status: criteria provided, single submitter. Criteria: Ambry Variant Classification Scheme 2023. Collection method: clinical testing. Allele origin: germline.

Fulgent Genetics
Classification: Uncertain significance for Epilepsy, familial temporal lobe, 1. Last evaluated: 2018-10-31. Review status: criteria provided, single submitter. Criteria: ACMG Guidelines, 2015. Collection method: clinical testing. Allele origin: unknown.

NM_005097.4(LGI1):c.205G>A (p.Val69Ile)

Gene: LGI1 (leucine rich glioma inactivated 1; plus strand). Cytogenetic location: 10q23.33.
Variant type: single nucleotide variant.
Coding change: c.205G>A on transcript NM_005097.4 (MANE Select); coding-DNA position 205, G replaced by A.
Protein change: p.Val69Ile; replaces valine 69 with isoleucine.
Molecular consequence: missense variant. On other transcripts: non-coding transcript variant (1).
Genome position (GRCh38, 1-based): chr10:93,758,349, G>A. VCF-style: chr10-93758349-G-A. GRCh37 (hg19) VCF-style: chr10-95518106-G-A.
Other names: c.205G>A, p.Val69Ile (NM_001308275.2, NM_001308276.2); short protein forms V69I.
Identifiers: ClinVar variation 573957 (VCV000573957.8), dbSNP rs147469708, ClinGen allele CA5611015.